The following is an entry in ClinVar:

NM_000168.6(GLI3):c.1578del (p.Phe527fs)

Gene: GLI3 (GLI family zinc finger 3; minus strand). Cytogenetic location: 7p14.1.
Variant type: Deletion.
Coding change: c.1578del on transcript NM_000168.6 (MANE Select); coding-DNA position 1578, one base deleted (C; older notation c.1578delC).
Protein change: p.Phe527fs; shifts the reading frame from phenylalanine 527.
Molecular consequence: frameshift variant.
Genome position (GRCh38, 1-based): chr7:41,978,668, G deleted on the plus strand (C on the coding strand, the reverse complement: GLI3 is on the minus strand); the first of 3 consecutive G bases (chr7:41,978,668-41,978,670); deleting any one gives the same sequence. VCF-style (leftmost placement, unchanged base first): chr7-41978667-AG-A. GRCh37 (hg19) VCF-style: chr7-42018266-AG-A.
Other names: short protein forms F527fs.
Identifiers: ClinVar variation 419159 (VCV000419159.2), dbSNP rs1064793685, ClinGen allele CA16618463.

ClinVar aggregate classification (germline): Pathogenic (1 of 4 stars; one submission).

Submission:

GeneDx
Classification: Pathogenic. Last evaluated: 2015-06-04. Review status: criteria provided, single submitter. Criteria: GeneDx Variant Classification (06012015). Collection method: clinical testing. Allele origin: germline. Affected: yes.
Comment: The c.1578delC deletion in the GLI3 gene causes a frameshift starting with codon Phenylalanine 527,changes this amino acid to a Serine residue and creates a premature Stop codon at position 8 of the newreading frame, denoted p.PHe527SerfsX8. This variant is predicted to cause loss of normal proteinfunction either through protein truncation or nonsense-mediated mRNA decay. The c.1578delC deletion was not observed in approximately 6,500 individuals of European and African American ancestry in theNHLBI Exome Sequencing Project, indicating it is not a common benign variant in these populations. Anearby frameshift (c.1561_1576del16) has been reported in the Human Gene Mutation Database inassociation with Greig cephalopolysyndactyly syndrome (GCPS) (Stenson et al., 2014). Although thisvariant has not been previously reported to our knowledge, we consider it pathogenic.